The following is an entry in ClinVar:

ClinVar aggregate classification (germline): Uncertain significance (1 of 4 stars; one submission).

Conditions:
Fanconi anemia complementation group O. Also called: RAD51C-Related Fanconi Anemia. Identifiers: Orphanet 84, MedGen C3150653, MONDO:0013248, OMIM 613390.

Submission:

Labcorp Genetics (formerly Invitae), Labcorp
Classification: Uncertain significance for Fanconi anemia, complementation group O. Last evaluated: 2019-03-26. Review status: criteria provided, single submitter. Criteria: Invitae Variant Classification Sherloc (09022015). Collection method: clinical testing. Allele origin: germline.
Comment: This variant results in a copy number gain of the genomic region encompassing the full coding sequence of the RAD51C gene. The boundaries of this event are unknown as they extend beyond the assayed region for this gene and therefore may encompass additional genes. As the precise location of this event is unknown, it may be in tandem or it may be located elsewhere in the genome. This variant has not been reported in the literature in individuals with RAD51C-related conditions. In summary, the available evidence is currently insufficient to determine the role of this variant in disease. Therefore, it has been classified as a Variant of Uncertain Significance.

NC_000017.10:g.(?_56769995)_(56811593_?)dup

Genes: RAD51C (RAD51 paralog C; plus strand), LOC129390903 (MPRA-validated peak2919 silencer; plus strand), LOC130061310 (ATAC-STARR-seq lymphoblastoid active region 12491; plus strand), LOC130061311 (ATAC-STARR-seq lymphoblastoid active region 12492; plus strand). Cytogenetic location: 17q22.
Variant type: Duplication.
Identifiers: ClinVar variation 649637 (VCV000649637.2).